The following is an entry in ClinVar:

NM_005188.4(CBL):c.2296G>A (p.Glu766Lys)

Gene: CBL (Cbl proto-oncogene; plus strand). Cytogenetic location: 11q23.3.
Variant type: single nucleotide variant.
Coding change: c.2296G>A on transcript NM_005188.4 (MANE Select); coding-DNA position 2296, G replaced by A.
Protein change: p.Glu766Lys; replaces glutamic acid 766 with lysine.
Molecular consequence: missense variant.
Genome position (GRCh38, 1-based): chr11:119,298,402, G>A. VCF-style: chr11-119298402-G-A. GRCh37 (hg19) VCF-style: chr11-119169112-G-A.
Other names: short protein forms E766K.
Identifiers: ClinVar variation 5033739 (VCV005033739.1).

ClinVar aggregate classification (germline): Uncertain significance (1 of 4 stars; one submission).

Conditions:
Cardiovascular phenotype. Identifiers: MedGen CN230736.

Submission:

Ambry Genetics
Classification: Uncertain significance for Cardiovascular phenotype. Last evaluated: 2026-07-11. Review status: criteria provided, single submitter. Criteria: Ambry Variant Classification Scheme 2023. Collection method: clinical testing. Allele origin: germline.
Comment: The p.E766K variant (also known as c.2296G>A), located in coding exon 15 of the CBL gene, results from a G to A substitution at nucleotide position 2296. The glutamic acid at codon 766 is replaced by lysine, an amino acid with similar properties. This amino acid position is conserved. In addition, this alteration is predicted to be tolerated by in silico analysis. Based on the available evidence, the clinical significance of this variant remains unclear.